The following is an entry in ClinVar:

NM_002076.4(GNS):c.4C>T (p.Arg2Trp)

Gene: GNS (glucosamine (N-acetyl)-6-sulfatase; minus strand). Cytogenetic location: 12q14.3.
Variant type: single nucleotide variant.
Coding change: c.4C>T on transcript NM_002076.4 (MANE Select); coding-DNA position 4, C replaced by T.
Protein change: p.Arg2Trp; replaces arginine 2 with tryptophan.
Molecular consequence: missense variant.
Genome position (GRCh38, 1-based): chr12:64,759,273, G>A on the plus strand (C>T on the coding strand, the complement: GNS is on the minus strand). VCF-style: chr12-64759273-G-A. GRCh37 (hg19) VCF-style: chr12-65153053-G-A.
Other names: short protein forms R2W.
Identifiers: ClinVar variation 193221 (VCV000193221.25), dbSNP rs200441930, ClinGen allele CA238731.
Genomic context (GRCh38, chr12:64,759,273, plus strand): 5'-AGGAGGGCAGGTGGCGGGGGCTGCCCCGCCGGAGCCGACCTGGGGCTAGAGGCAGGAGCC[G>A]CATAGCGGACAGGCTCCGGGGTGACCCCGGGACGGGACGGGACGGAGGGACGCACAGGTA-3'
Protein context (NP_002067.1, residues 1-12): M[Arg2Trp]LLPLAPGRLR

ClinVar aggregate classification (germline): Conflicting classifications of pathogenicity. Review status: criteria provided, conflicting classifications (1 of 4 stars). 8 submissions from 8 submitters: Uncertain significance (2); Likely benign (4). 2 of the submissions do not count toward it. Last evaluated 2026-01-20.

Conditions:
Sanfilippo syndrome. Also called: Mucopolysaccharidosis type 3; Mucopolysaccharidosis Type III; Sanfilippo disease. Identifiers: Orphanet 581, MedGen C0026706, MONDO:0018937.
GNS-related disorder. Also called: GNS-related condition.
Mucopolysaccharidosis, MPS-III-D (MPS3D). Also called: SANFILIPPO SYNDROME D; MUCOPOLYSACCHARIDOSIS, TYPE IIID; MPS IIID (Sanfilippo Syndrome Type D); N-ACETYLGLUCOSAMINE-6-SULFATASE DEFICIENCY; MPS III D; Mucopoly-saccharidosis type 3D. Identifiers: Orphanet 581, Orphanet 79272, MedGen C0086650, MONDO:0009658, OMIM 252940.

Allele frequency attached by ClinVar (database versions not stated): gnomAD 0.00033; TOPMed 0.00036; 1000 Genomes Project 30x 0.00031; ESP Exome Variant Server 0.00033; ExAC 0.00098.
gnomAD v4.1: 463 of 1,518,058 alleles (0.03%); highest among the groups gnomAD compares: Middle Eastern, 0.33%; 1 homozygote.

Submissions (8):

Labcorp Genetics (formerly Invitae), Labcorp
Classification: Likely benign for Mucopolysaccharidosis, MPS-III-D. Last evaluated: 2026-01-20. Review status: criteria provided, single submitter. Criteria: Invitae Variant Classification Sherloc (09022015). Collection method: clinical testing. Allele origin: germline.

Blueprint Genetics
Classification: Likely benign. Last evaluated: 2024-10-28. Review status: criteria provided, single submitter. Criteria: ACMG Guidelines, 2015. Collection method: clinical testing. Allele origin: germline.

Genome-Nilou Lab
Classification: Likely benign for Mucopolysaccharidosis, MPS-III-D. Last evaluated: 2021-05-18. Review status: criteria provided, single submitter. Criteria: ACMG Guidelines, 2015. Collection method: clinical testing. Allele origin: germline. Affected: no.

Illumina Laboratory Services, Illumina
Classification: Uncertain significance for Mucopolysaccharidosis, MPS-III-D. Last evaluated: 2018-01-12. Review status: criteria provided, single submitter. Criteria: ICSL Variant Classification Criteria 13 December 2019. Collection method: clinical testing. Allele origin: germline.

GeneDx
Classification: Likely benign. Last evaluated: 2017-02-02. Review status: criteria provided, single submitter. Criteria: GeneDx Variant Classification (06012015). Collection method: clinical testing. Allele origin: germline. Affected: yes.
Comment: This variant is considered likely benign or benign based on one or more of the following criteria: it is a conservative change, it occurs at a poorly conserved position in the protein, it is predicted to be benign by multiple in silico algorithms, and/or has population frequency not consistent with disease.

Eurofins Ntd Llc (ga)
Classification: Uncertain significance. Last evaluated: 2015-02-09. Review status: criteria provided, single submitter. Criteria: EGL Classification Definitions 2015. Collection method: clinical testing. Allele origin: germline. Observed: 2 variant alleles, 1 heterozygote, 1 homozygote.

PreventionGenetics, part of Exact Sciences
Classification: Likely benign for GNS-related condition. Last evaluated: 2024-09-24. Review status: no assertion criteria provided. Collection method: clinical testing. Allele origin: germline. Not counted in ClinVar's aggregate classification.
Comment: This variant is classified as likely benign based on ACMG/AMP sequence variant interpretation guidelines (Richards et al. 2015 PMID: 25741868, with internal and published modifications).

Natera, Inc.
Classification: Likely benign for Sanfilippo disease. Last evaluated: 2020-01-14. Review status: no assertion criteria provided. Collection method: clinical testing. Allele origin: germline. Not counted in ClinVar's aggregate classification.